The following is an entry in ClinVar:

ClinVar aggregate classification (germline): Conflicting classifications of pathogenicity. Review status: criteria provided, conflicting classifications (1 of 4 stars). 4 submissions from 4 submitters: Uncertain significance (1); Likely benign (3). Last evaluated 2025-08-22.

Allele frequency attached by ClinVar (database versions not stated): 1000 Genomes Project 30x 0.00109; ESP Exome Variant Server 0.00115; 1000 Genomes Project 0.00120; gnomAD 0.00126 and 0.00145; TOPMed 0.00146; gnomAD exomes 0.00171 and 0.00187; ExAC 0.00173.
gnomAD v4.1: 2,964 of 1,613,822 alleles (0.18%); highest among the groups gnomAD compares: South Asian, 0.46%; 7 homozygotes.

Submissions (4):

Ambry Genetics
Classification: Uncertain significance. Last evaluated: 2025-08-22. Review status: criteria provided, single submitter. Criteria: Ambry Variant Classification Scheme 2023. Collection method: clinical testing. Allele origin: germline.

CeGaT Center for Human Genetics Tuebingen
Classification: Likely benign. Last evaluated: 2023-02-01. Review status: criteria provided, single submitter. Criteria: CeGaT Center For Human Genetics Tuebingen Variant Classification Criteria Version 2. Collection method: clinical testing. Allele origin: germline. Affected: yes. Observed: 1 variant allele.
Comment: PLB1: BP4, BS2

Labcorp Genetics (formerly Invitae), Labcorp
Classification: Likely benign. Last evaluated: 2019-12-31. Review status: criteria provided, single submitter. Criteria: Invitae Variant Classification Sherloc (09022015). Collection method: clinical testing. Allele origin: germline.

Breakthrough Genomics
Classification: Likely benign. Review status: criteria provided, single submitter. Criteria: ACMG Guidelines, 2015. Collection method: not provided. Allele origin: germline. Inheritance: Unknown mechanism. Affected: yes.

NM_153021.5(PLB1):c.2045G>A (p.Arg682His)

Gene: PLB1 (phospholipase B1; plus strand). Cytogenetic location: 2p23.2.
Variant type: single nucleotide variant.
Coding change: c.2045G>A on transcript NM_153021.5 (MANE Select); coding-DNA position 2045, G replaced by A.
Protein change: p.Arg682His; replaces arginine 682 with histidine.
Molecular consequence: missense variant. On other transcripts: non-coding transcript variant (1).
Genome position (GRCh38, 1-based): chr2:28,590,033, G>A. VCF-style: chr2-28590033-G-A. GRCh37 (hg19) VCF-style: chr2-28812900-G-A.
Other names: c.2012G>A, p.Arg671His (NM_001170585.2); short protein forms R682H, R671H.
Identifiers: ClinVar variation 711796 (VCV000711796.30), dbSNP rs142897830, ClinGen allele CA1587791.